The following is an entry in ClinVar:

NM_005422.4(TECTA):c.1763A>C (p.Gln588Pro)

Genes: TBCEL-TECTA (TBCEL-TECTA readthrough; plus strand), TECTA (tectorin alpha; plus strand). Cytogenetic location: 11q23.3.
Variant type: single nucleotide variant.
Coding change: c.1763A>C on transcript NM_005422.4 (MANE Select); coding-DNA position 1763, A replaced by C.
Protein change: p.Gln588Pro; replaces glutamine 588 with proline.
Molecular consequence: missense variant.
Genome position (GRCh38, 1-based): chr11:121,125,861, A>C. VCF-style: chr11-121125861-A-C. GRCh37 (hg19) VCF-style: chr11-120996570-A-C.
Other names: c.1763A>C (NM_005422.2); c.2720A>C, p.Gln907Pro (NM_001378761.1); short protein forms Q588P, Q907P.
Identifiers: ClinVar variation 2806502 (VCV002806502.4), dbSNP rs1285509844, ClinGen allele CA383012759.
Genomic context (GRCh38, chr11:121,125,861, plus strand): 5'-TCCAGGCCTATGCTCTTGTGTGCCAAGCCCTTGGCATTCCAATTGGAGACTGGCGAACCC[A>C]GACTGGGTGTGGTAAGCTGGCATCCCATCCCCATGACAGGTCTCTCTTGTGCAGGGGGCA-3'
Protein context (NP_005413.2, residues 578-598): LGIPIGDWRT[Gln588Pro]TGCVSTVQCP

ClinVar aggregate classification (germline): Uncertain significance. Review status: criteria provided, multiple submitters, no conflicts (2 of 4 stars). 2 submissions from 2 submitters: Uncertain significance (2). Last evaluated 2024-12-24.

Conditions:
Inborn genetic diseases. Identifiers: MedGen C0950123, MeSH D030342.

Allele frequency attached by ClinVar (database versions not stated): TOPMed below 0.00001; gnomAD 0.00001.
gnomAD v4.1: 1 of 1,608,698 alleles (0.000062%); highest among the groups gnomAD compares: African/African-American, 0.0013%; no homozygotes.

Submissions (2):

Ambry Genetics
Classification: Uncertain significance for Inborn genetic diseases. Last evaluated: 2024-12-24. Review status: criteria provided, single submitter. Criteria: Ambry Variant Classification Scheme 2023. Collection method: clinical testing. Allele origin: germline.

Labcorp Genetics (formerly Invitae), Labcorp
Classification: Uncertain significance. Last evaluated: 2023-02-14. Review status: criteria provided, single submitter. Criteria: Invitae Variant Classification Sherloc (09022015). Collection method: clinical testing. Allele origin: germline.
Comment: This sequence change replaces glutamine, which is neutral and polar, with proline, which is neutral and non-polar, at codon 588 of the TECTA protein (p.Gln588Pro). This variant is present in population databases (no rsID available, gnomAD 0.01%). In summary, the available evidence is currently insufficient to determine the role of this variant in disease. Therefore, it has been classified as a Variant of Uncertain Significance. Advanced modeling of protein sequence and biophysical properties (such as structural, functional, and spatial information, amino acid conservation, physicochemical variation, residue mobility, and thermodynamic stability) performed at Invitae indicates that this missense variant is not expected to disrupt TECTA protein function. This variant has not been reported in the literature in individuals affected with TECTA-related conditions.